The following is an entry in ClinVar:

ClinVar aggregate classification (germline): Uncertain significance. Review status: criteria provided, multiple submitters, no conflicts (2 of 4 stars). 3 submissions from 3 submitters: Uncertain significance (3). Last evaluated 2025-05-25.

Conditions:
Inborn genetic diseases. Identifiers: MedGen C0950123, MeSH D030342.
Singleton-Merten syndrome 1 (SGMRT1). Also called: Syndrome of widened medullary cavities of the metacarpals and phalanges, aortic calcification and abnormal dentition; Widened medullary cavities of bone, aortic calcification, abnormal dentition, and muscular weakness. Identifiers: Orphanet 85191, MedGen C4225427, MONDO:0024535, OMIM 182250.
Aicardi-Goutieres syndrome 7 (AGS7). Identifiers: Orphanet 51, MedGen C3888244, MONDO:0014367, OMIM 615846.

gnomAD v4.1: 2 of 1,595,986 alleles (0.00013%); highest among the groups gnomAD compares: Non-Finnish European, 0.00017%; no homozygotes.

Submissions (3):

Ambry Genetics
Classification: Uncertain significance for Inborn genetic diseases. Last evaluated: 2025-05-25. Review status: criteria provided, single submitter. Criteria: Ambry Variant Classification Scheme 2023. Collection method: clinical testing. Allele origin: germline.

Labcorp Genetics (formerly Invitae), Labcorp
Classification: Uncertain significance for Aicardi-Goutieres syndrome 7; Singleton-Merten syndrome 1. Last evaluated: 2025-03-18. Review status: criteria provided, single submitter. Criteria: Invitae Variant Classification Sherloc (09022015). Collection method: clinical testing. Allele origin: germline.
Comment: This sequence change replaces valine, which is neutral and non-polar, with isoleucine, which is neutral and non-polar, at codon 640 of the IFIH1 protein (p.Val640Ile). This variant is not present in population databases (gnomAD no frequency). This variant has not been reported in the literature in individuals affected with IFIH1-related conditions. ClinVar contains an entry for this variant (Variation ID: 3365758). An algorithm developed to predict the effect of missense changes on protein structure and function outputs the following: PolyPhen-2: "Benign". The isoleucine amino acid residue is found in multiple mammalian species, which suggests that this missense change does not adversely affect protein function. In summary, the available evidence is currently insufficient to determine the role of this variant in disease. Therefore, it has been classified as a Variant of Uncertain Significance.

GeneDx
Classification: Uncertain significance. Last evaluated: 2023-12-13. Review status: criteria provided, single submitter. Criteria: GeneDx Variant Classification Process June 2021. Collection method: clinical testing. Allele origin: germline. Affected: yes.
Comment: Not observed at significant frequency in large population cohorts (gnomAD); In silico analysis supports that this missense variant does not alter protein structure/function; Has not been previously published as pathogenic or benign to our knowledge

NM_022168.4(IFIH1):c.1918G>A (p.Val640Ile)

Gene: IFIH1 (interferon induced with helicase C domain 1; minus strand). Cytogenetic location: 2q24.2.
Variant type: single nucleotide variant.
Coding change: c.1918G>A on transcript NM_022168.4 (MANE Select); coding-DNA position 1918, G replaced by A.
Protein change: p.Val640Ile; replaces valine 640 with isoleucine.
Molecular consequence: missense variant.
Genome position (GRCh38, 1-based): chr2:162,277,541, C>T on the plus strand (G>A on the coding strand, the complement: IFIH1 is on the minus strand). VCF-style: chr2-162277541-C-T. GRCh37 (hg19) VCF-style: chr2-163134051-C-T.
Other names: c.1918G>A (NM_022168.2); short protein forms V640I.
Identifiers: ClinVar variation 3365758 (VCV003365758.4).